The following is an entry in ClinVar:

NM_007055.4(POLR3A):c.2855T>C (p.Ile952Thr)

Gene: POLR3A (RNA polymerase III subunit A; minus strand). Cytogenetic location: 10q22.3.
Variant type: single nucleotide variant.
Coding change: c.2855T>C on transcript NM_007055.4 (MANE Select); coding-DNA position 2855, T replaced by C.
Protein change: p.Ile952Thr; replaces isoleucine 952 with threonine.
Molecular consequence: missense variant.
Genome position (GRCh38, 1-based): chr10:77,991,100, A>G on the plus strand (T>C on the coding strand, the complement: POLR3A is on the minus strand). VCF-style: chr10-77991100-A-G. GRCh37 (hg19) VCF-style: chr10-79750858-A-G.
Other names: short protein forms I952T.
Identifiers: ClinVar variation 2015421 (VCV002015421.4), dbSNP rs2493196707, ClinGen allele CA377333311.
Genomic context (GRCh38, chr10:77,991,100, plus strand): 5'-CTGGCAGAGCTCACCTGCAGGAAGCTGTCCTGGCAGCAGAGGAACTCACTCTTCTTCATG[A>G]TGGACTCTGTGGTCAGGATCAGCTCGTTTTTGCTGAGAGCAGGCTCACTGGGACACGGGA-3'
Protein context (NP_008986.2, residues 942-962): KNELILTTES[Ile952Thr]MKKSEFLCCQ

ClinVar aggregate classification (germline): Uncertain significance (1 of 4 stars; one submission).

Allele frequency attached by ClinVar (database versions not stated): gnomAD exomes below 0.00001.
gnomAD v4.1: 1 of 1,613,806 alleles (0.000062%); highest among the groups gnomAD compares: Non-Finnish European, 0.000085%; no homozygotes.

Submission:

Labcorp Genetics (formerly Invitae), Labcorp
Classification: Uncertain significance. Last evaluated: 2022-07-09. Review status: criteria provided, single submitter. Criteria: Invitae Variant Classification Sherloc (09022015). Collection method: clinical testing. Allele origin: germline.
Comment: This sequence change replaces isoleucine, which is neutral and non-polar, with threonine, which is neutral and polar, at codon 952 of the POLR3A protein (p.Ile952Thr). This variant is not present in population databases (gnomAD no frequency). This variant has not been reported in the literature in individuals affected with POLR3A-related conditions. Algorithms developed to predict the effect of missense changes on protein structure and function are either unavailable or do not agree on the potential impact of this missense change (SIFT: "Deleterious"; PolyPhen-2: "Benign"; Align-GVGD: "Class C0"). In summary, the available evidence is currently insufficient to determine the role of this variant in disease. Therefore, it has been classified as a Variant of Uncertain Significance.